The following is an entry in ClinVar:

NM_005591.4(MRE11):c.1124del (p.Pro375fs)

Gene: MRE11 (MRE11 double strand break repair nuclease; minus strand). Cytogenetic location: 11q21.
Variant type: Deletion.
Coding change: c.1124del on transcript NM_005591.4 (MANE Select); coding-DNA position 1124, one base deleted (C; older notation c.1124delC).
Protein change: p.Pro375fs; shifts the reading frame from proline 375.
Molecular consequence: frameshift variant.
Genome position (GRCh38, 1-based): chr11:94,464,214, G deleted on the plus strand (C on the coding strand, the reverse complement: MRE11 is on the minus strand); the first of 2 consecutive G bases (chr11:94,464,214-94,464,215); deleting either gives the same sequence. VCF-style (leftmost placement, unchanged base first): chr11-94464213-AG-A. GRCh37 (hg19) VCF-style: chr11-94197379-AG-A.
Other names: c.1124del, p.Pro375fs (NM_001330347.2, NM_005590.4); c.1124delC (NM_005591.3); short protein forms P375fs.
Identifiers: ClinVar variation 1799704 (VCV001799704.2), dbSNP rs2496427855, ClinGen allele CA2580085079.

ClinVar aggregate classification (germline): Pathogenic (1 of 4 stars; one submission).

Conditions:
Hereditary cancer-predisposing syndrome. Also called: Neoplastic Syndromes, Hereditary; Tumor predisposition; Hereditary Cancer Syndrome; Hereditary neoplastic syndrome. Identifiers: Orphanet 140162, MedGen C0027672, MeSH D009386, MONDO:0015356.

Submission:

Ambry Genetics
Classification: Pathogenic for Hereditary cancer-predisposing syndrome. Last evaluated: 2015-10-08. Review status: criteria provided, single submitter. Criteria: Ambry Variant Classification Scheme 2023. Collection method: clinical testing. Allele origin: germline.
Comment: The c.1124delC pathogenic mutation, located in coding exon 10 of the MRE11A gene, results from a deletion of one nucleotide at nucleotide position 1124, causing a translational frameshift with a predicted alternate stop codon. Since frameshifts are typically deleterious in nature, this alteration is interpreted as a disease-causing mutation (ACMG Recommendations for Standards for Interpretation and Reporting of Sequence Variations. Revision 2007. Genet Med. 2008;10:294).